The following is an entry in ClinVar:

NM_003738.5(PTCH2):c.935G>A (p.Arg312Lys)

Gene: PTCH2 (patched 2; minus strand). Cytogenetic location: 1p34.1.
Variant type: single nucleotide variant.
Coding change: c.935G>A on transcript NM_003738.5 (MANE Select); coding-DNA position 935, G replaced by A.
Protein change: p.Arg312Lys; replaces arginine 312 with lysine.
Molecular consequence: missense variant.
Genome position (GRCh38, 1-based): chr1:44,829,909, C>T on the plus strand (G>A on the coding strand, the complement: PTCH2 is on the minus strand). VCF-style: chr1-44829909-C-T. GRCh37 (hg19) VCF-style: chr1-45295581-C-T.
Other names: c.935G>A, p.Arg312Lys (NM_001166292.2); short protein forms R312K.
Identifiers: ClinVar variation 843884 (VCV000843884.10), dbSNP rs1653355659, ClinGen allele CA340104950.

ClinVar aggregate classification (germline): Uncertain significance (1 of 4 stars; one submission).

Conditions:
Gorlin syndrome. Also called: Nevoid Basal Cell Carcinoma Syndrome; Basal cell nevus syndrome. Identifiers: Orphanet 377, MedGen C0004779, MONDO:0007187.

Allele frequency attached by ClinVar (database versions not stated): gnomAD exomes below 0.00001.
gnomAD v4.1: 4 of 1,614,092 alleles (0.00025%); highest among the groups gnomAD compares: Non-Finnish European, 0.00025%; no homozygotes.

Submission:

Labcorp Genetics (formerly Invitae), Labcorp
Classification: Uncertain significance for Gorlin syndrome. Last evaluated: 2022-09-08. Review status: criteria provided, single submitter. Criteria: Invitae Variant Classification Sherloc (09022015). Collection method: clinical testing. Allele origin: germline.
Comment: Variants that disrupt the consensus splice site are a relatively common cause of aberrant splicing (PMID: 17576681, 9536098). Algorithms developed to predict the effect of sequence changes on RNA splicing suggest that this variant may disrupt the consensus splice site. In summary, the available evidence is currently insufficient to determine the role of this variant in disease. Therefore, it has been classified as a Variant of Uncertain Significance. Algorithms developed to predict the effect of missense changes on protein structure and function (SIFT, PolyPhen-2, Align-GVGD) all suggest that this variant is likely to be tolerated. ClinVar contains an entry for this variant (Variation ID: 843884). This variant has not been reported in the literature in individuals affected with PTCH2-related conditions. This variant is not present in population databases (gnomAD no frequency). This sequence change replaces arginine, which is basic and polar, with lysine, which is basic and polar, at codon 312 of the PTCH2 protein (p.Arg312Lys). This variant also falls at the last nucleotide of exon 7, which is part of the consensus splice site for this exon.

Literature cited by the submitters: PubMed 17576681; PubMed 9536098.